The following is an entry in ClinVar:

NM_001199107.2(TBC1D24):c.636G>A (p.Trp212Ter)

Gene: TBC1D24 (TBC1 domain family member 24; plus strand). Cytogenetic location: 16p13.3.
Variant type: single nucleotide variant.
Coding change: c.636G>A on transcript NM_001199107.2 (MANE Select); coding-DNA position 636, G replaced by A.
Protein change: p.Trp212Ter; replaces tryptophan 212 with a stop codon.
Molecular consequence: nonsense.
Genome position (GRCh38, 1-based): chr16:2,496,784, G>A. VCF-style: chr16-2496784-G-A. GRCh37 (hg19) VCF-style: chr16-2546785-G-A.
Other names: c.636G>A, p.Trp212Ter (NM_020705.3); short protein forms W212*.
Identifiers: ClinVar variation 1453407 (VCV001453407.6), dbSNP rs2141872114, ClinGen allele CA394376799.

ClinVar aggregate classification (germline): Pathogenic (1 of 4 stars; one submission).

Conditions:
Autosomal dominant nonsyndromic hearing loss 65. Also called: Deafness, autosomal dominant 65; TBC1D24-Related Autosomal Dominant Nonsyndromic Hearing Loss (DFNA). Identifiers: Orphanet 90635, MedGen C3892048, MONDO:0014470, OMIM 616044.
Developmental and epileptic encephalopathy, 1 (DEE1). Also called: X-linked infantile spasms; West's syndrome; Tonic spasms with clustering, arrest of psychomotor development and hypsarrhythmia on EEG; X-Linked Infantile Spasm Syndrome; OHTAHARA SYNDROME, X-LINKED; INFANTILE SPASM SYNDROME, X-LINKED 1. Identifiers: MedGen C3463992, MONDO:0010632, OMIM 308350. Disease mechanism: loss of function.

Submission:

Labcorp Genetics (formerly Invitae), Labcorp
Classification: Pathogenic for Developmental and epileptic encephalopathy, 1; Autosomal dominant nonsyndromic hearing loss 65. Last evaluated: 2021-09-27. Review status: criteria provided, single submitter. Criteria: Invitae Variant Classification Sherloc (09022015). Collection method: clinical testing. Allele origin: germline.
Comment: For these reasons, this variant has been classified as Pathogenic. This variant has not been reported in the literature in individuals affected with TBC1D24-related conditions. This variant is not present in population databases (ExAC no frequency). This sequence change creates a premature translational stop signal (p.Trp212*) in the TBC1D24 gene. It is expected to result in an absent or disrupted protein product. Loss-of-function variants in TBC1D24 are known to be pathogenic (PMID: 23526554, 24291220).

Literature cited by the submitters: PubMed 23526554; PubMed 24291220.